The following is an entry in ClinVar:

ClinVar aggregate classification (germline): Uncertain significance (1 of 4 stars; one submission).

Conditions:
Hereditary cancer-predisposing syndrome. Also called: Tumor predisposition; Hereditary Cancer Syndrome; Hereditary neoplastic syndrome; Neoplastic Syndromes, Hereditary. Identifiers: Orphanet 140162, MedGen C0027672, MeSH D009386, MONDO:0015356.

Allele frequency attached by ClinVar (database versions not stated): gnomAD exomes below 0.00001.

Submission:

Ambry Genetics
Classification: Uncertain significance for Hereditary cancer-predisposing syndrome. Last evaluated: 2025-12-15. Review status: criteria provided, single submitter. Criteria: Ambry Variant Classification Scheme 2023. Collection method: clinical testing. Allele origin: germline.
Comment: The p.H358Y variant (also known as c.1072C>T), located in coding exon 8 of the PTCH1 gene, results from a C to T substitution at nucleotide position 1072. The histidine at codon 358 is replaced by tyrosine, an amino acid with similar properties. This amino acid position is conserved. In addition, the in silico prediction for this alteration is inconclusive. Based on the available evidence, the clinical significance of this variant remains unclear.

NM_000264.5(PTCH1):c.1072C>T (p.His358Tyr)

Gene: PTCH1 (patched 1; minus strand). Cytogenetic location: 9q22.32.
Variant type: single nucleotide variant.
Coding change: c.1072C>T on transcript NM_000264.5 (MANE Select); coding-DNA position 1072, C replaced by T.
Protein change: p.His358Tyr; replaces histidine 358 with tyrosine.
Molecular consequence: missense variant. On other transcripts: non-coding transcript variant (1).
Genome position (GRCh38, 1-based): chr9:95,479,143, G>A on the plus strand (C>T on the coding strand, the complement: PTCH1 is on the minus strand). VCF-style: chr9-95479143-G-A. GRCh37 (hg19) VCF-style: chr9-98241425-G-A.
Other names: c.874C>T, p.His292Tyr (NM_001083602.3); c.1069C>T, p.His357Tyr (NM_001083603.3); c.619C>T, p.His207Tyr (NM_001083604.3, NM_001083605.3, NM_001083606.3 and 1 more transcripts); c.1072C>T, p.His358Tyr (NM_001354918.2); short protein forms H207Y, H292Y, H357Y, H358Y.
Identifiers: ClinVar variation 2626219 (VCV002626219.3), dbSNP rs2538217980, ClinGen allele CA374119535.
Genomic context (GRCh38, chr9:95,479,143, plus strand): 5'-CCTTGAAGTGCTCGTACATTTGCTTGGGAGTCATTAACTGGAACATGGTCTGCAGGGCAT[G>A]GGCGCTGCAGCACAGTCCAAGGGAAGGCACATCATCAGTATTCCCAGGAAGCAGTTTCCA-3'
Protein context (NP_000255.2, residues 348-368): KNSTGKLVSA[His358Tyr]ALQTMFQLMT